The following is an entry in ClinVar:

ClinVar aggregate classification (germline): Uncertain significance (1 of 4 stars; one submission).

Conditions:
Developmental and epileptic encephalopathy 94 (DEE94). Also called: CHD2-Related Neurodevelopmental Disorders; Epileptic encephalopathy, childhood-onset. Identifiers: Orphanet 1942, Orphanet 2382, MedGen C3809278, MONDO:0014150, OMIM 615369.

gnomAD v4.1: 4 of 1,614,130 alleles (0.00025%); highest among the groups gnomAD compares: Non-Finnish European, 0.00025%; no homozygotes.

Submission:

Labcorp Genetics (formerly Invitae), Labcorp
Classification: Uncertain significance for Developmental and epileptic encephalopathy 94. Last evaluated: 2024-12-16. Review status: criteria provided, single submitter. Criteria: Invitae Variant Classification Sherloc (09022015). Collection method: clinical testing. Allele origin: germline.
Comment: This sequence change replaces arginine, which is basic and polar, with histidine, which is basic and polar, at codon 1763 of the CHD2 protein (p.Arg1763His). This variant is not present in population databases (gnomAD no frequency). This variant has not been reported in the literature in individuals affected with CHD2-related conditions. ClinVar contains an entry for this variant (Variation ID: 2871067). Invitae Evidence Modeling of protein sequence and biophysical properties (such as structural, functional, and spatial information, amino acid conservation, physicochemical variation, residue mobility, and thermodynamic stability) indicates that this missense variant is not expected to disrupt CHD2 protein function with a negative predictive value of 95%. In summary, the available evidence is currently insufficient to determine the role of this variant in disease. Therefore, it has been classified as a Variant of Uncertain Significance.

NM_001271.4(CHD2):c.5288G>A (p.Arg1763His)

Gene: CHD2 (chromodomain helicase DNA binding protein 2; plus strand). Cytogenetic location: 15q26.1.
Variant type: single nucleotide variant.
Coding change: c.5288G>A on transcript NM_001271.4 (MANE Select); coding-DNA position 5288, G replaced by A.
Protein change: p.Arg1763His; replaces arginine 1763 with histidine.
Molecular consequence: missense variant.
Genome position (GRCh38, 1-based): chr15:93,024,506, G>A. VCF-style: chr15-93024506-G-A. GRCh37 (hg19) VCF-style: chr15-93567736-G-A.
Other names: short protein forms R1763H.
Identifiers: ClinVar variation 2871067 (VCV002871067.3), dbSNP rs746146204, ClinGen allele CA393908471.
Genomic context (GRCh38, chr15:93,024,506, plus strand): 5'-GAATGTCTGATCACCGCCCCGCTATGGGCTACCATGGCCAGGGACCCTCAGACCATTACC[G>A]CTCTTTCCACACAGATAAACTGGGGGAATATAAACAGCCTCTACCCCCATTGCACCCTGC-3'
Protein context (NP_001262.3, residues 1753-1773): YHGQGPSDHY[Arg1763His]SFHTDKLGEY